The following is an entry in ClinVar:

ClinVar aggregate classification (germline): Pathogenic. Review status: criteria provided, multiple submitters, no conflicts (2 of 4 stars). 2 submissions from 2 submitters: Pathogenic (2). Last evaluated 2026-04-08.

Conditions:
ACAN-related short stature spectrum. Identifiers: MedGen CN379890, MONDO:1060149.

Allele frequency attached by ClinVar (database versions not stated): ExAC 0.00001.

Submissions (2):

Centro de Investigaciones Endocrinológicas “Dr. César Bergadá” (CEDIE), Unidad de Investigacion Traslacional (UIT), Hospital de Niños Dr. Ricardo Gutiérrez
Classification: Pathogenic for ACAN-related short stature spectrum. Last evaluated: 2026-04-08. Review status: criteria provided, single submitter. Criteria: Institutional Variant Interpretation Framework ClinVar CEDIE Version 1. Collection method: clinical testing. Allele origin: germline. Affected: yes. Observed: 1 variant allele.
Comment: The variant NM_001369268.1:c.871C>T, located in ACAN exon 6, creates a premature stop codon (nonsense variant). Bioinformatic analysis performed with AutoPVS1 software predicts mARN degradation by nonsense mediated decay (PVS1). The variant is absent in population databases (GnomAD, v4.1; PM2_supp) but was reported in variant databases (ClinVar: VCV002845745.3; ClinGen: CA7719389; dbSNP: rs761241049). Loss-of-function variants causing haploinsufficiency of ACAN are known to be associated with ACAN-related short stature spectrum. ClinGen Skeletal Disorders Gene Curation Expert Panel has established that there is definitive evidence supporting the relationship between ACAN and autosomal semidominant ACAN-related short stature spectrum (MONDO:1060149). In summary, the available evidence supports the classification of this variant as Pathogenic (PM2_supporting, PVS1, PS4_supp) according to ACMG criteria and the recommendations of the ClinGen Sequence Variant Interpretation Working Group (SVI WG).

Labcorp Genetics (formerly Invitae), Labcorp
Classification: Pathogenic. Last evaluated: 2023-03-14. Review status: criteria provided, single submitter. Criteria: Invitae Variant Classification Sherloc (09022015). Collection method: clinical testing. Allele origin: germline.
Comment: For these reasons, this variant has been classified as Pathogenic. This premature translational stop signal has been observed in individual(s) with clinical features of autosomal dominant ACAN-related conditions (PMID: 35434101). It has also been observed to segregate with disease in related individuals. This variant is not present in population databases (gnomAD no frequency). This sequence change creates a premature translational stop signal (p.Gln291*) in the ACAN gene. It is expected to result in an absent or disrupted protein product. Loss-of-function variants in ACAN are known to be pathogenic (PMID: 16080123, 24762113).

Literature cited by the submitters: PubMed 35434101 (cited by Centro de Investigaciones Endocrinológicas “Dr. César Bergadá” (CEDIE), Unidad de Investigacion Traslacional (UIT), Hospital de Niños Dr. Ricardo Gutiérrez and Labcorp Genetics (formerly Invitae), Labcorp); PubMed 16080123 (cited by Labcorp Genetics (formerly Invitae), Labcorp); PubMed 24762113 (cited by Labcorp Genetics (formerly Invitae), Labcorp).

NM_001369268.1(ACAN):c.871C>T (p.Gln291Ter)

Gene: ACAN (aggrecan; plus strand). Cytogenetic location: 15q26.1.
Variant type: single nucleotide variant.
Coding change: c.871C>T on transcript NM_001369268.1 (MANE Select); coding-DNA position 871, C replaced by T.
Protein change: p.Gln291Ter; replaces glutamine 291 with a stop codon.
Molecular consequence: nonsense.
Genome position (GRCh38, 1-based): chr15:88,843,468, C>T. VCF-style: chr15-88843468-C-T. GRCh37 (hg19) VCF-style: chr15-89386699-C-T.
Other names: NP_001356197.1:p.(Q291Ter); c.871C>T, p.Gln291Ter (NM_001135.4, NM_001411096.1, NM_001411097.1 and 1 more transcripts); short protein forms Q291*.
Identifiers: ClinVar variation 2845745 (VCV002845745.4), dbSNP rs761241049, ClinGen allele CA7719389.
Genomic context (GRCh38, chr15:88,843,468, plus strand): 5'-AATGAGTGCCGGCGGCTGGGTGCCCGGCTGGCCACCACGGGCCAGCTCTACCTGGCCTGG[C>T]AGGCTGGCATGGACATGTGCAGCGCCGGCTGGCTGGCCGACCGCAGCGTGCGCTACCCCA-3'